The following is an entry in ClinVar:

NM_002769.5(PRSS1):c.144_145inv (p.Gly49Ser)

Genes: PRSS1 (serine protease 1; plus strand), TRB (T cell receptor beta locus; plus strand). Cytogenetic location: 7q34.
Variant type: Inversion.
Coding change: c.144_145inv on transcript NM_002769.5 (MANE Select).
Protein change: p.Gly49Ser; replaces glycine 49 with serine.
Molecular consequence: missense variant. On other transcripts: non-coding transcript variant (4).
Genome position: GRCh38 VCF-style: chr7-142750658-TG-CA. GRCh37 (hg19) VCF-style: chr7-142458509-TG-CA.
Other names: short protein forms G49S.
Identifiers: ClinVar variation 4862584 (VCV004862584.1).

ClinVar aggregate classification (germline): Uncertain significance (1 of 4 stars; one submission).

Conditions:
Hereditary pancreatitis (PCTT). Also called: Hereditary chronic pancreatitis; PRSS1-Related Hereditary Pancreatitis. Identifiers: Orphanet 676, MedGen C0238339, MONDO:0008185, OMIM 167800.

Submission:

Ambry Genetics
Classification: Uncertain significance for Hereditary pancreatitis. Last evaluated: 2026-04-01. Review status: criteria provided, single submitter. Criteria: Ambry Variant Classification Scheme 2023. Collection method: clinical testing. Allele origin: germline.
Comment: The c.144_145delTGinsCA variant (also known as p.G49S), located in coding exon 2 of the PRSS1 gene, results from an in-frame deletion of TG and insertion of CA at nucleotide positions 144 to 145. This results in the substitution of the glycine residue for a serine residue at codon 49, an amino acid with similar properties. This amino acid position is highly conserved in available vertebrate species. In addition, the in silico prediction for this variant is inconclusive. Based on the available evidence, the clinical significance of this variant remains unclear.